The following is an entry in ClinVar:

ClinVar aggregate classification (germline): Uncertain significance. Review status: criteria provided, multiple submitters, no conflicts (2 of 4 stars). 2 submissions from 2 submitters: Uncertain significance (2). Last evaluated 2024-11-04.

Conditions:
Colorectal cancer, hereditary nonpolyposis, type 7. Identifiers: Orphanet 144, MedGen C1858380, MONDO:0013725, OMIM 614385.

Allele frequency attached by ClinVar (database versions not stated): TOPMed below 0.00001; gnomAD 0.00001.
gnomAD v4.1: 1 of 1,613,780 alleles (0.000062%); highest among the groups gnomAD compares: African/African-American, 0.0013%; no homozygotes.

Submissions (2):

Ambry Genetics
Classification: Uncertain significance. Last evaluated: 2024-11-04. Review status: criteria provided, single submitter. Criteria: Ambry Variant Classification Scheme 2023. Collection method: clinical testing. Allele origin: germline.
Comment: The p.R1126T variant (also known as c.3377G>C), located in coding exon 2 of the MLH3 gene, results from a G to C substitution at nucleotide position 3377. The arginine at codon 1126 is replaced by threonine, an amino acid with similar properties. This amino acid position is conserved. In addition, this alteration is predicted to be tolerated by in silico analysis. Since supporting evidence is limited at this time, the clinical significance of this alteration remains unclear.

Labcorp Genetics (formerly Invitae), Labcorp
Classification: Uncertain significance for Colorectal cancer, hereditary nonpolyposis, type 7. Last evaluated: 2022-08-09. Review status: criteria provided, single submitter. Criteria: Invitae Variant Classification Sherloc (09022015). Collection method: clinical testing. Allele origin: germline.
Comment: In summary, the available evidence is currently insufficient to determine the role of this variant in disease. Therefore, it has been classified as a Variant of Uncertain Significance. Algorithms developed to predict the effect of missense changes on protein structure and function output the following: SIFT: "Tolerated"; PolyPhen-2: "Benign"; Align-GVGD: "Class C0". The threonine amino acid residue is found in multiple mammalian species, which suggests that this missense change does not adversely affect protein function. This variant has not been reported in the literature in individuals affected with MLH3-related conditions. This variant is not present in population databases (gnomAD no frequency). This sequence change replaces arginine, which is basic and polar, with threonine, which is neutral and polar, at codon 1126 of the MLH3 protein (p.Arg1126Thr).

NM_001040108.2(MLH3):c.3377G>C (p.Arg1126Thr)

Gene: MLH3 (mutL homolog 3; minus strand). Cytogenetic location: 14q24.3.
Variant type: single nucleotide variant.
Coding change: c.3377G>C on transcript NM_001040108.2 (MANE Select); coding-DNA position 3377, G replaced by C.
Protein change: p.Arg1126Thr; replaces arginine 1126 with threonine.
Molecular consequence: missense variant.
Genome position (GRCh38, 1-based): chr14:75,042,381, C>G on the plus strand (G>C on the coding strand, the complement: MLH3 is on the minus strand). VCF-style: chr14-75042381-C-G. GRCh37 (hg19) VCF-style: chr14-75509084-C-G.
Other names: c.3377G>C, p.Arg1126Thr (NM_014381.3); short protein forms R1126T.
Identifiers: ClinVar variation 1730776 (VCV001730776.8), dbSNP rs1891914494, ClinGen allele CA390431606.